The following is an entry in ClinVar:

NM_001920.5(DCN):c.793del (p.Leu265fs)

Gene: DCN (decorin; minus strand). Cytogenetic location: 12q21.33.
Variant type: Deletion.
Coding change: c.793del on transcript NM_001920.5 (MANE Select); coding-DNA position 793, one base deleted (C; older notation c.793delC).
Protein change: p.Leu265fs; shifts the reading frame from leucine 265.
Molecular consequence: frameshift variant. On other transcripts: intron variant (2).
Genome position (GRCh38, 1-based): chr12:91,151,746, G deleted on the plus strand (C on the coding strand, the reverse complement: DCN is on the minus strand). VCF-style (leftmost placement, unchanged base first): chr12-91151745-AG-A. GRCh37 (hg19) VCF-style: chr12-91545522-AG-A.
Other names: c.793del, p.Leu265fs (NM_133503.4); c.466del, p.Leu156fs (NM_133504.3); c.352del, p.Leu118fs (NM_133505.3); c.212-5494del (NM_133507.3); c.325-5494del (NM_133506.3); short protein forms L118fs, L156fs, L265fs.
Identifiers: ClinVar variation 4814126 (VCV004814126.1).

ClinVar aggregate classification (germline): Likely pathogenic (1 of 4 stars; one submission).

Conditions:
Congenital stromal corneal dystrophy (CSCD). Identifiers: Orphanet 101068, MedGen C1864738, MONDO:0012401, OMIM 610048.

Submission:

OLLIN Analises Genomicas, OLLIN
Classification: Likely pathogenic for Congenital stromal corneal dystrophy. Last evaluated: 2025-08-25. Review status: criteria provided, single submitter. Criteria: ACMG Guidelines 2015 PMID 25741868. Collection method: clinical testing. Allele origin: germline. Affected: yes. Observed: 1 variant allele.
Comment: The frameshift variant (chr12:91151745AG>A), located in exon 7 (of 8), is not reported in the gnomAD v4.1 non-UKB or ClinVar databases, nor has it been found in the scientific literature. This variant promotes a change in the reading frame with subsequent introduction of a premature stop codon, resulting in a truncated protein or mRNA degradation via nonsense-mediated decay (NMD). According to currently available evidence, this variant has been classified as likely pathogenic (PVS1, PM2_P).